The following is an entry in ClinVar:

ClinVar aggregate classification (germline): Likely benign (0 of 4 stars; one submission).

Conditions:
PPP1R9A-related disorder. Also called: PPP1R9A-related condition.

Allele frequency attached by ClinVar (database versions not stated): gnomAD exomes 0.00011; ExAC 0.00027; 1000 Genomes Project 30x 0.00078; 1000 Genomes Project 0.00080; ESP Exome Variant Server 0.00087; gnomAD 0.00109; TOPMed 0.00134.
gnomAD v4.1: 340 of 1,581,430 alleles (0.021%); highest among the groups gnomAD compares: African/African-American, 0.41%; no homozygotes.

Submission:

PreventionGenetics, part of Exact Sciences
Classification: Likely benign for PPP1R9A-related condition. Last evaluated: 2019-09-25. Review status: no assertion criteria provided. Collection method: clinical testing. Allele origin: germline.
Comment: This variant is classified as likely benign based on ACMG/AMP sequence variant interpretation guidelines (Richards et al. 2015 PMID: 25741868, with internal and published modifications).

NM_001166160.2(PPP1R9A):c.2889G>A (p.Thr963=)

Genes: PPP1R9A (protein phosphatase 1 regulatory subunit 9A; plus strand), LOC126860112 (CDK7 strongly-dependent group 2 enhancer GRCh37_chr7:94897970-94899169; plus strand). Cytogenetic location: 7q21.3.
Variant type: single nucleotide variant.
Coding change: c.2889G>A on transcript NM_001166160.2 (MANE Select); coding-DNA position 2889, G replaced by A.
Protein change: p.Thr963=; no amino-acid change (threonine 963 retained).
Molecular consequence: synonymous variant. On other transcripts: intron variant (2).
Genome position (GRCh38, 1-based): chr7:95,269,272, G>A. VCF-style: chr7-95269272-G-A. GRCh37 (hg19) VCF-style: chr7-94898584-G-A.
Other names: c.2769G>A, p.Thr923= (NM_001166161.1); c.2823G>A, p.Thr941= (NM_001166162.1); c.2757+565G>A (NM_017650.3, NM_001166163.1).
Identifiers: ClinVar variation 3037317 (VCV003037317.2), dbSNP rs370338223, ClinGen allele CA4349772.